The following is an entry in ClinVar:

NM_006904.7(PRKDC):c.4328T>A (p.Val1443Glu)

Gene: PRKDC (protein kinase, DNA-activated, catalytic subunit; minus strand). Cytogenetic location: 8q11.21.
Variant type: single nucleotide variant.
Coding change: c.4328T>A on transcript NM_006904.7 (MANE Select); coding-DNA position 4328, T replaced by A.
Protein change: p.Val1443Glu; replaces valine 1443 with glutamic acid.
Molecular consequence: missense variant.
Genome position (GRCh38, 1-based): chr8:47,888,603, A>T on the plus strand (T>A on the coding strand, the complement: PRKDC is on the minus strand). VCF-style: chr8-47888603-A-T. GRCh37 (hg19) VCF-style: chr8-48801164-A-T.
Other names: c.4328T>A, p.Val1443Glu (NM_001081640.2); short protein forms V1443E.
Identifiers: ClinVar variation 1472989 (VCV001472989.6), dbSNP rs2154501772, ClinGen allele CA371145786.

ClinVar aggregate classification (germline): Uncertain significance (1 of 4 stars; one submission).

Conditions:
Severe combined immunodeficiency due to DNA-PKcs deficiency. Also called: Immunodeficiency 26 with or without neurologic abnormalities; IMMUNODEFICIENCY 26 WITH NEUROLOGIC ABNORMALITIES. Identifiers: Orphanet 317425, MedGen C4014833, MONDO:0014423, OMIM 615966.

Submission:

Labcorp Genetics (formerly Invitae), Labcorp
Classification: Uncertain significance for Severe combined immunodeficiency due to DNA-PKcs deficiency. Last evaluated: 2021-08-16. Review status: criteria provided, single submitter. Criteria: Invitae Variant Classification Sherloc (09022015). Collection method: clinical testing. Allele origin: germline.
Comment: This sequence change replaces valine with glutamic acid at codon 1443 of the PRKDC protein (p.Val1443Glu). The valine residue is weakly conserved and there is a moderate physicochemical difference between valine and glutamic acid. In summary, the available evidence is currently insufficient to determine the role of this variant in disease. Therefore, it has been classified as a Variant of Uncertain Significance. Experimental studies and prediction algorithms are not available or were not evaluated, and the functional significance of this variant is currently unknown. This variant has not been reported in the literature in individuals affected with PRKDC-related conditions. This variant is not present in population databases (ExAC no frequency).